The following is an entry in ClinVar:

NM_001037132.4(NRCAM):c.671A>G (p.His224Arg)

Gene: NRCAM (neuronal cell adhesion molecule; minus strand). Cytogenetic location: 7q31.1.
Variant type: single nucleotide variant.
Coding change: c.671A>G on transcript NM_001037132.4 (MANE Select); coding-DNA position 671, A replaced by G.
Protein change: p.His224Arg; replaces histidine 224 with arginine.
Molecular consequence: missense variant. On other transcripts: 5 prime UTR variant (1), non-coding transcript variant (5).
Genome position (GRCh38, 1-based): chr7:108,226,258, T>C on the plus strand (A>G on the coding strand, the complement: NRCAM is on the minus strand). VCF-style: chr7-108226258-T-C. GRCh37 (hg19) VCF-style: chr7-107866702-T-C.
Other names: c.671A>G, p.His224Arg (NM_001371166.1, NM_001371167.1, NM_001371168.1 and 39 more transcripts); c.383A>G, p.His128Arg (NM_001371170.1, NM_001371147.1, NM_001371148.1 and 6 more transcripts); c.653A>G, p.His218Arg (NM_001371171.1, NM_001371175.1, NM_001371151.1 and 11 more transcripts); c.-88A>G (NM_001371137.1); short protein forms H128R, H218R, H224R.
Identifiers: ClinVar variation 4538216 (VCV004538216.1).

ClinVar aggregate classification (germline): Uncertain significance (1 of 4 stars; one submission).

gnomAD v4.1: 4 of 1,610,910 alleles (0.00025%); highest among the groups gnomAD compares: Non-Finnish European, 0.00034%; no homozygotes.

Submission:

Greenwood Genetic Center Diagnostic Laboratories, Greenwood Genetic Center
Classification: Uncertain significance. Last evaluated: 2025-05-06. Review status: criteria provided, single submitter. Criteria: ACMG Guidelines, 2015. Collection method: clinical testing. Allele origin: germline. Affected: yes.
Comment: PM2, BP4